The following is an entry in ClinVar:

NM_000443.4(ABCB4):c.3352G>T (p.Glu1118Ter)

Gene: ABCB4 (ATP binding cassette subfamily B member 4; minus strand). Cytogenetic location: 7q21.12.
Variant type: single nucleotide variant.
Coding change: c.3352G>T on transcript NM_000443.4 (MANE Select); coding-DNA position 3352, G replaced by T.
Protein change: p.Glu1118Ter; replaces glutamic acid 1118 with a stop codon.
Molecular consequence: nonsense.
Genome position (GRCh38, 1-based): chr7:87,406,422, C>A on the plus strand (G>T on the coding strand, the complement: ABCB4 is on the minus strand). VCF-style: chr7-87406422-C-A. GRCh37 (hg19) VCF-style: chr7-87035738-C-A.
Other names: c.3373G>T, p.Glu1125Ter (NM_018849.3); c.3211G>T, p.Glu1071Ter (NM_018850.3); short protein forms E1071*, E1118*, E1125*.
Identifiers: ClinVar variation 4846427 (VCV004846427.1).
Genomic context (GRCh38, chr7:87,406,422, plus strand): 5'-CCCGGCTGTTGTCTCCATAGGCAATATTCTCGGCAATGCTGCAGTCAAATAGGATAGGCT[C>A]CTGAGACACGATTCCGAGTTGAGCTCTGAGCCACTGGACATTGAGTTTCTTTGCTTCTTG-3'

ClinVar aggregate classification (germline): Pathogenic (1 of 4 stars; one submission).

Conditions:
Familial intrahepatic cholestasis. Identifiers: Orphanet 284385, MedGen CN296401, MONDO:0017290.

Submission:

Genomenon, Inc
Classification: Pathogenic for Familial intrahepatic cholestasis. Last evaluated: 2026-04-14. Review status: criteria provided, single submitter. Criteria: Genomenon Sequence Variant Interpretation Standards - Updated. Collection method: curation. Allele origin: germline. Affected: yes.
Comment: ABCB4 p.Glu1118Ter (c.3352G>T) is a nonsense variant that introduces a premature stop codon at amino acid position 1118, creating a truncated protein that is predicted to undergo nonsense-mediated mRNA decay. This variant has been observed in at least one proband with an ABCB4-related disorder (PMID:41165782). It is absent or not present at a significant frequency in gnomAD. In conclusion, we classify ABCB4 p.Glu1118Ter (c.3352G>T) as a pathogenic variant.

Literature cited by the submitters: PubMed 41165782.